The following is an entry in ClinVar:

NM_001252024.2(TRPM1):c.2438C>T (p.Thr813Met)

Gene: TRPM1 (transient receptor potential cation channel subfamily M member 1; minus strand). Cytogenetic location: 15q13.3.
Variant type: single nucleotide variant.
Coding change: c.2438C>T on transcript NM_001252024.2 (MANE Select); coding-DNA position 2438, C replaced by T.
Protein change: p.Thr813Met; replaces threonine 813 with methionine.
Molecular consequence: missense variant.
Genome position (GRCh38, 1-based): chr15:31,038,045, G>A on the plus strand (C>T on the coding strand, the complement: TRPM1 is on the minus strand). VCF-style: chr15-31038045-G-A. GRCh37 (hg19) VCF-style: chr15-31330248-G-A.
Other names: c.2489C>T, p.Thr830Met (NM_001252020.2); c.2372C>T, p.Thr791Met (NM_002420.6); short protein forms T830M, T791M, T813M.
Identifiers: ClinVar variation 1046065 (VCV001046065.6), dbSNP rs377044822, ClinGen allele CA7452211.
Genomic context (GRCh38, chr15:31,038,045, plus strand): 5'-CTCAACAATTTTGAAAACAAGATTACACTGATATGCTTAGGGTCAAGTGTGTCACTGACC[G>A]TATTTTCCTCTTCTTTTTCTTTGCCATCCTCATTTTCCTTGGATGTTTGATACGAGAAAT-3'
Protein context (NP_001238953.1, residues 803-823): EDGKEKEEEN[Thr813Met]DANADAGSRK

ClinVar aggregate classification (germline): Uncertain significance (1 of 4 stars; one submission).

Allele frequency attached by ClinVar (database versions not stated): TOPMed 0.00001; gnomAD exomes 0.00004 and 0.00005; ExAC 0.00006; gnomAD 0.00007; ESP Exome Variant Server 0.00008.
gnomAD v4.1: 72 of 1,613,930 alleles (0.0045%); highest among the groups gnomAD compares: South Asian, 0.0088%; no homozygotes.

Submission:

Labcorp Genetics (formerly Invitae), Labcorp
Classification: Uncertain significance. Last evaluated: 2023-05-23. Review status: criteria provided, single submitter. Criteria: Invitae Variant Classification Sherloc (09022015). Collection method: clinical testing. Allele origin: germline.
Comment: In summary, the available evidence is currently insufficient to determine the role of this variant in disease. Therefore, it has been classified as a Variant of Uncertain Significance. Algorithms developed to predict the effect of missense changes on protein structure and function output the following: SIFT: "Not Available"; PolyPhen-2: "Benign"; Align-GVGD: "Not Available". The methionine amino acid residue is found in multiple mammalian species, which suggests that this missense change does not adversely affect protein function. ClinVar contains an entry for this variant (Variation ID: 1046065). This variant has not been reported in the literature in individuals affected with TRPM1-related conditions. This variant is present in population databases (rs377044822, gnomAD 0.02%). This sequence change replaces threonine, which is neutral and polar, with methionine, which is neutral and non-polar, at codon 791 of the TRPM1 protein (p.Thr791Met).